The following is an entry in ClinVar:

ClinVar aggregate classification (germline): Benign/Likely benign. Review status: criteria provided, multiple submitters, no conflicts (2 of 4 stars). 4 submissions from 4 submitters: Benign (1); Likely benign (3). Last evaluated 2025-12-22.

Conditions:
Hereditary cancer-predisposing syndrome. Also called: Tumor predisposition; Neoplastic Syndromes, Hereditary; Hereditary Cancer Syndrome; Hereditary neoplastic syndrome. Identifiers: Orphanet 140162, MedGen C0027672, MeSH D009386, MONDO:0015356.
Pheochromocytoma/paraganglioma syndrome 5. Also called: Paragangliomas 5; SDHA-Related Hereditary Paraganglioma-Pheochromocytoma Syndrome. Identifiers: Orphanet 29072, MedGen C3279992, MONDO:0013602, OMIM 614165.
Mitochondrial complex II deficiency, nuclear type 1. Also called: SUCCINATE CoQ REDUCTASE DEFICIENCY. Identifiers: Orphanet 3208, MedGen C5700310, MONDO:0100294, OMIM 252011.

Allele frequency attached by ClinVar (database versions not stated): gnomAD exomes 0.00001; ExAC 0.00002.
gnomAD v4.1: 7 of 1,613,876 alleles (0.00043%); highest among the groups gnomAD compares: South Asian, 0.0077%; no homozygotes.

Submissions (4):

Labcorp Genetics (formerly Invitae), Labcorp
Classification: Likely benign for Pheochromocytoma/paraganglioma syndrome 5; Mitochondrial complex II deficiency, nuclear type 1. Last evaluated: 2025-12-22. Review status: criteria provided, single submitter. Criteria: Invitae Variant Classification Sherloc (09022015). Collection method: clinical testing. Allele origin: germline.

Myriad Genetics, Inc.
Classification: Benign for Pheochromocytoma/paraganglioma syndrome 5. Last evaluated: 2025-03-03. Review status: criteria provided, single submitter. Criteria: Myriad Autosomal Dominant, Autosomal Recessive and X-Linked Classification Criteria (2023). Collection method: clinical testing. Allele origin: unknown.
Comment: This variant is considered benign. This variant is a silent/synonymous amino acid change and it is not expected to impact splicing.

Sema4
Classification: Likely benign for Hereditary cancer-predisposing syndrome. Last evaluated: 2021-12-01. Review status: criteria provided, single submitter. Criteria: Sema4 Curation Guidelines. Collection method: curation. Allele origin: germline.

Ambry Genetics
Classification: Likely benign for Hereditary cancer-predisposing syndrome. Last evaluated: 2019-09-25. Review status: criteria provided, single submitter. Criteria: Ambry Variant Classification Scheme 2023. Collection method: clinical testing. Allele origin: germline.

NM_004168.4(SDHA):c.729C>T (p.Ser243=)

Gene: SDHA (succinate dehydrogenase complex flavoprotein subunit A; plus strand). Cytogenetic location: 5p15.33.
Variant type: single nucleotide variant.
Coding change: c.729C>T on transcript NM_004168.4 (MANE Select); coding-DNA position 729, C replaced by T.
Protein change: p.Ser243=; no amino-acid change (serine 243 retained).
Molecular consequence: synonymous variant.
Genome position (GRCh38, 1-based): chr5:228,292, C>T. VCF-style: chr5-228292-C-T. GRCh37 (hg19) VCF-style: chr5-228407-C-T.
Other names: c.585C>T, p.Ser195= (NM_001294332.2); c.729C>T, p.Ser243= (NM_001330758.2).
Identifiers: ClinVar variation 1151725 (VCV001151725.13), dbSNP rs778543446, ClinGen allele CA3172955.